The following is an entry in ClinVar:

NM_001966.4(EHHADH):c.305G>T (p.Gly102Val)

Gene: EHHADH (enoyl-CoA hydratase and 3-hydroxyacyl CoA dehydrogenase; minus strand). Cytogenetic location: 3q27.2.
Variant type: single nucleotide variant.
Coding change: c.305G>T on transcript NM_001966.4 (MANE Select); coding-DNA position 305, G replaced by T.
Protein change: p.Gly102Val; replaces glycine 102 with valine.
Molecular consequence: missense variant.
Genome position (GRCh38, 1-based): chr3:185,235,336, C>A on the plus strand (G>T on the coding strand, the complement: EHHADH is on the minus strand). VCF-style: chr3-185235336-C-A. GRCh37 (hg19) VCF-style: chr3-184953124-C-A.
Other names: c.17G>T, p.Gly6Val (NM_001166415.2); short protein forms G6V, G102V.
Identifiers: ClinVar variation 2362085 (VCV002362085.3), dbSNP rs147693859, ClinGen allele CA2739263.
Genomic context (GRCh38, chr3:185,235,336, plus strand): 5'-GCCTTGGTTGTTACCTCTGCGTGGGCAATCCTATAGTGACAGCCCAGGGCCAGCTCTAGT[C>A]CCCCTCCGAAAGCCATGCCTTGGATTGCTGCCACCACGGGCTTCTCATTTCTCTGTATTT-3'
Protein context (NP_001957.2, residues 92-112): AAIQGMAFGG[Gly102Val]LELALGCHYR

ClinVar aggregate classification (germline): Conflicting classifications of pathogenicity. Review status: criteria provided, conflicting classifications (1 of 4 stars). 2 submissions from 2 submitters: Uncertain significance (1); Likely benign (1). Last evaluated 2025-10-09.

Conditions:
EHHADH-related disorder. Also called: EHHADH-related condition.

Allele frequency attached by ClinVar (database versions not stated): ExAC 0.00003; ESP Exome Variant Server 0.00008.
gnomAD v4.1: 27 of 1,613,790 alleles (0.0017%); highest among the groups gnomAD compares: South Asian, 0.0011%; no homozygotes.

Submissions (2):

PreventionGenetics, part of Exact Sciences
Classification: Likely benign for EHHADH-related condition. Last evaluated: 2025-10-09. Review status: criteria provided, single submitter. Criteria: ACMG Guidelines, 2015. Collection method: clinical testing. Allele origin: germline.
Comment: This variant is classified as likely benign based on ACMG/AMP sequence variant interpretation guidelines (Richards et al. 2015 PMID: 25741868, with internal and published modifications).

Ambry Genetics
Classification: Uncertain significance. Last evaluated: 2022-01-31. Review status: criteria provided, single submitter. Criteria: Ambry Variant Classification Scheme 2023. Collection method: clinical testing. Allele origin: germline.